The following is an entry in ClinVar:

ClinVar aggregate classification (germline): Uncertain significance (1 of 4 stars; one submission).

Conditions:
Long QT syndrome (LQTS). Identifiers: MedGen C0023976, MeSH D008133, MONDO:0002442. Disease mechanism: loss of function. Inheritance: Various modes of inheritance.

Submission:

Labcorp Genetics (formerly Invitae), Labcorp
Classification: Uncertain significance for Long QT syndrome. Last evaluated: 2022-09-27. Review status: criteria provided, single submitter. Criteria: Invitae Variant Classification Sherloc (09022015). Collection method: clinical testing. Allele origin: germline.
Comment: Algorithms developed to predict the effect of missense changes on protein structure and function are either unavailable or do not agree on the potential impact of this missense change (SIFT: "Deleterious"; PolyPhen-2: "Probably Damaging"; Align-GVGD: "Class C0"). ClinVar contains an entry for this variant (Variation ID: 1035708). This variant has not been reported in the literature in individuals affected with ANK2-related conditions. This variant is not present in population databases (gnomAD no frequency). This sequence change replaces tyrosine, which is neutral and polar, with serine, which is neutral and polar, at codon 3124 of the ANK2 protein (p.Tyr3124Ser). In summary, the available evidence is currently insufficient to determine the role of this variant in disease. Therefore, it has been classified as a Variant of Uncertain Significance.

NM_001148.6(ANK2):c.9371A>C (p.Tyr3124Ser)

Gene: ANK2 (ankyrin 2; plus strand). Cytogenetic location: 4q26.
Variant type: single nucleotide variant.
Coding change: c.9371A>C on transcript NM_001148.6 (MANE Select); coding-DNA position 9371, A replaced by C.
Protein change: p.Tyr3124Ser; replaces tyrosine 3124 with serine.
Molecular consequence: missense variant. On other transcripts: intron variant (68).
Genome position (GRCh38, 1-based): chr4:113,357,989, A>C. VCF-style: chr4-113357989-A-C. GRCh37 (hg19) VCF-style: chr4-114279145-A-C.
Other names: c.9137A>C, p.Tyr3046Ser (NM_001386142.1); c.5771A>C, p.Tyr1924Ser (NM_001386166.1); c.9512A>C, p.Tyr3171Ser (NM_001386174.1); c.9488A>C, p.Tyr3163Ser (NM_001386175.1); c.4412-2834A>C (NM_001386186.2, NM_001386148.2); c.4214-2834A>C (NM_001354269.3); c.4292-2834A>C (NM_001386187.2); c.4253-2834A>C (NM_001386147.1); and 35 more; short protein forms Y3171S, Y1924S, Y3046S, Y3124S, Y3163S.
Identifiers: ClinVar variation 1035708 (VCV001035708.5), dbSNP rs2095905515, ClinGen allele CA357937204.
Genomic context (GRCh38, chr4:113,357,989, plus strand): 5'-AGGAAGGAAAATTGTTTGAAATGACCCGAAGTGGTGCCATTGATATGACCAAAAGGTCCT[A>C]TGCAGATGAAAGTTTTCACTTTTTCCAAATTGGTCAAGAATCCAGGGAAGAGACTCTCTC-3'
Protein context (NP_001139.3, residues 3114-3134): SGAIDMTKRS[Tyr3124Ser]ADESFHFFQI